The following is an entry in ClinVar:

NM_018451.5(CPAP):c.163C>G (p.Pro55Ala)

Gene: CPAP (centrosome assembly and centriole elongation protein; minus strand). Cytogenetic location: 13q12.13.
Variant type: single nucleotide variant.
Coding change: c.163C>G on transcript NM_018451.5 (MANE Select); coding-DNA position 163, C replaced by G.
Protein change: p.Pro55Ala; replaces proline 55 with alanine.
Molecular consequence: missense variant. On other transcripts: non-coding transcript variant (2).
Genome position (GRCh38, 1-based): chr13:24,912,863, G>C on the plus strand (C>G on the coding strand, the complement: CPAP is on the minus strand). VCF-style: chr13-24912863-G-C. GRCh37 (hg19) VCF-style: chr13-25487001-G-C.
Other names: p.P55A:CCT>GCT; short protein forms P55A.
Identifiers: ClinVar variation 21659 (VCV000021659.29), dbSNP rs17081389, ClinGen allele CA171674.
Genomic context (GRCh38, chr13:24,912,863, plus strand): 5'-GAAGTGAATCTTCTTCATTTATAAAGCTGAAGCTATCAGAAAAATGTGTGCCTTTAATAG[G>C]AAAGCTGGTAGAAATGTCCACAGCTGCTCGCTTCTCTTTGTCTGCTTCCAAAATAGGAAA-3'
Protein context (NP_060921.3, residues 45-65): RAAVDISTSF[Pro55Ala]IKGTHFSDSF

ClinVar aggregate classification (germline): Benign/Likely benign. Review status: criteria provided, multiple submitters, no conflicts (2 of 4 stars). 12 submissions from 11 submitters: Benign (6); Likely benign (3). 3 of the submissions do not count toward it. Last evaluated 2026-01-20.

Conditions:
Seckel syndrome 4 (SCKL4). Identifiers: Orphanet 808, MedGen C3888212, MONDO:0013358, OMIM 613676.
Microcephaly 6, primary, autosomal recessive. Identifiers: Orphanet 2512, MedGen C1842109, MONDO:0012029, OMIM 608393.

Allele frequency attached by ClinVar (database versions not stated): gnomAD exomes 0.00271 and 0.00680; ExAC 0.00850; gnomAD 0.02454 and 0.02639; TOPMed 0.02747; 1000 Genomes Project 0.02815; 1000 Genomes Project 30x 0.02873; ESP Exome Variant Server 0.03068.
gnomAD v4.1: 7,874 of 1,614,104 alleles (0.49%); highest among the groups gnomAD compares: African/African-American, 8.7%; 289 homozygotes.

Submissions (12):

Labcorp Genetics (formerly Invitae), Labcorp
Classification: Benign. Last evaluated: 2026-01-20. Review status: criteria provided, single submitter. Criteria: Invitae Variant Classification Sherloc (09022015). Collection method: clinical testing. Allele origin: germline.

Athena Diagnostics
Classification: Benign. Last evaluated: 2024-01-16. Review status: criteria provided, single submitter. Criteria: Athena Diagnostics Criteria. Collection method: clinical testing. Allele origin: unknown.

Fulgent Genetics
Classification: Likely benign for Microcephaly 6, primary, autosomal recessive; Seckel syndrome 4. Last evaluated: 2021-10-02. Review status: criteria provided, single submitter. Criteria: ACMG Guidelines, 2015. Collection method: clinical testing. Allele origin: unknown.

Eurofins Ntd Llc (ga)
Classification: Benign. Last evaluated: 2018-05-29. Review status: criteria provided, single submitter. Criteria: EGL ClinVar v180209 classification definitions. Collection method: clinical testing. Allele origin: germline. Observed: 2 variant alleles, 2 heterozygotes.

Illumina Laboratory Services, Illumina
Classification: Benign for Seckel syndrome 4. Last evaluated: 2018-01-12. Review status: criteria provided, single submitter. Criteria: ICSL Variant Classification Criteria 13 December 2019. Collection method: clinical testing. Allele origin: germline.
Comment: This variant was observed in the ICSL laboratory as part of a predisposition screen in an ostensibly healthy population. It had not been previously curated by ICSL or reported in the Human Gene Mutation Database (HGMD: prior to June 1st, 2018), and was therefore a candidate for classification through an automated scoring system. Utilizing variant allele frequency, disease prevalence and penetrance estimates, and inheritance mode, an automated score was calculated to assess if this variant is too frequent to cause the disease. Based on the score and internal cut-off values, a variant classified as benign is not then subjected to further curation. The score for this variant resulted in a classification of benign for this disease.

Illumina Laboratory Services, Illumina
Classification: Benign for Microcephaly 6, primary, autosomal recessive. Last evaluated: 2018-01-12. Review status: criteria provided, single submitter. Criteria: ICSL Variant Classification Criteria 13 December 2019. Collection method: clinical testing. Allele origin: germline.
Comment: the same text as in the submission from Illumina Laboratory Services, Illumina above.

GeneDx
Classification: Benign. Last evaluated: 2014-04-28. Review status: criteria provided, single submitter. Criteria: GeneDx Variant Classification (06012015). Collection method: clinical testing. Allele origin: germline. Affected: yes.
Comment: This variant is considered likely benign or benign based on one or more of the following criteria: it is a conservative change, it occurs at a poorly conserved position in the protein, it is predicted to be benign by multiple in silico algorithms, and/or has population frequency not consistent with disease.

Genetic Services Laboratory, University of Chicago
Classification: Likely benign. Last evaluated: 2013-02-15. Review status: criteria provided, single submitter. Criteria: ACMG Guidelines, 2007. Collection method: clinical testing. Allele origin: germline. Inheritance: Autosomal recessive inheritance.
Comment: Likely benign based on allele frequency in 1000 Genomes Project or ESP global frequency and its presence in a patient with a rare or unrelated disease phenotype. NOT Sanger confirmed

Breakthrough Genomics
Classification: Likely benign. Review status: criteria provided, single submitter. Criteria: ACMG Guidelines, 2015. Collection method: not provided. Allele origin: germline. Inheritance: Autosomal recessive inheritance. Affected: yes.

Clinical Genetics DNA and cytogenetics Diagnostics Lab, Erasmus MC, Erasmus Medical Center
Classification: Benign. Review status: no assertion criteria provided. Collection method: clinical testing. Allele origin: germline. Affected: yes. Study: VKGL Data-share Consensus. Not counted in ClinVar's aggregate classification.

GeneReviews
No classification provided. Condition: Microcephaly 6, primary, autosomal recessive. Review status: no classification provided. Collection method: literature only. Allele origin: unknown. Not counted in ClinVar's aggregate classification.

Laboratory of Diagnostic Genome Analysis, Leiden University Medical Center (LUMC)
Classification: Likely benign. Review status: no assertion criteria provided. Collection method: clinical testing. Allele origin: germline. Affected: yes. Study: VKGL Data-share Consensus. Not counted in ClinVar's aggregate classification.

Literature cited by the submitters: PubMed 20301772 (cited by GeneReviews); NCBI Bookshelf NBK9587 (cited by GeneReviews).